The following is an entry in ClinVar:

NM_133443.4(GPT2):c.429C>T (p.Gly143=)

Gene: GPT2 (glutamic--pyruvic transaminase 2; plus strand). Cytogenetic location: 16q11.2.
Variant type: single nucleotide variant.
Coding change: c.429C>T on transcript NM_133443.4 (MANE Select); coding-DNA position 429, C replaced by T.
Protein change: p.Gly143=; no amino-acid change (glycine 143 retained).
Molecular consequence: synonymous variant.
Genome position (GRCh38, 1-based): chr16:46,900,777, C>T. VCF-style: chr16-46900777-C-T. GRCh37 (hg19) VCF-style: chr16-46934689-C-T.
Other names: NC_000016.9:g.46934689C>T; p.Gly143=; c.129C>T, p.Gly43= (NM_001142466.3); c.429C>T (NM_133443.3).
Identifiers: ClinVar variation 2498661 (VCV002498661.31), dbSNP rs114467444, ClinGen allele CA8038591.

ClinVar aggregate classification (germline): Benign. Review status: criteria provided, multiple submitters, no conflicts (2 of 4 stars). 3 submissions from 3 submitters: Benign (2). 1 of the submissions does not count toward it. Last evaluated 2026-08-01.

Conditions:
GPT2-related disorder. Also called: GPT2-related condition.

Allele frequency attached by ClinVar (database versions not stated): 1000 Genomes Project 30x 0.00437; 1000 Genomes Project 0.00499; TOPMed 0.00921; gnomAD 0.00978; ExAC 0.01009; ESP Exome Variant Server 0.01084; gnomAD exomes 0.01269.
gnomAD v4.1: 20,082 of 1,613,788 alleles (1.2%); highest among the groups gnomAD compares: Non-Finnish European, 1.4%; 157 homozygotes.

Submissions 1 to 32 of 59:

CeGaT Center for Human Genetics Tuebingen
Classification: Benign. Last evaluated: 2026-08-01. Review status: criteria provided, single submitter. Criteria: CeGaT Center For Human Genetics Tuebingen Variant Classification Criteria Version 2. Collection method: clinical testing. Allele origin: germline. Affected: yes. Observed: 40 variant alleles.
Comment: GPT2: BP4, BP7, BS1, BS2

Mayo Clinic Laboratories, Mayo Clinic
Classification: Benign. Last evaluated: 2024-12-23. Review status: criteria provided, single submitter. Criteria: ACMG Guidelines, 2015. Collection method: clinical testing. Allele origin: germline. Observed: 9 variant alleles.
Comment: BS1, BS2, BP4, BP7

PreventionGenetics, part of Exact Sciences
Classification: Benign for GPT2-related condition. Last evaluated: 2019-04-01. Review status: no assertion criteria provided. Collection method: clinical testing. Allele origin: germline. Not counted in ClinVar's aggregate classification.
Comment: This variant is classified as benign based on ACMG/AMP sequence variant interpretation guidelines (Richards et al. 2015 PMID: 25741868, with internal and published modifications).

Dr. Peter K. Rogan Lab, Western University
No classification provided (evidence only). Condition: Clear cell carcinoma of kidney. Review status: no classification provided. Collection method: in vitro. Allele origin: not applicable. Functional consequence: retained intron. Not counted in ClinVar's aggregate classification.

Dr. Peter K. Rogan Lab, Western University
No classification provided (evidence only). Condition: Clear cell carcinoma of kidney. Review status: no classification provided. Collection method: in vitro. Allele origin: not applicable. Functional consequence: retained intron. Not counted in ClinVar's aggregate classification.

Dr. Peter K. Rogan Lab, Western University
No classification provided (evidence only). Condition: Clear cell carcinoma of kidney. Review status: no classification provided. Collection method: in vitro. Allele origin: not applicable. Functional consequence: retained intron. Not counted in ClinVar's aggregate classification.

Dr. Peter K. Rogan Lab, Western University
No classification provided (evidence only). Condition: Clear cell carcinoma of kidney. Review status: no classification provided. Collection method: in vitro. Allele origin: not applicable. Functional consequence: retained intron. Not counted in ClinVar's aggregate classification.

Dr. Peter K. Rogan Lab, Western University
No classification provided (evidence only). Condition: Clear cell carcinoma of kidney. Review status: no classification provided. Collection method: in vitro. Allele origin: not applicable. Functional consequence: retained intron. Not counted in ClinVar's aggregate classification.

Dr. Peter K. Rogan Lab, Western University
No classification provided (evidence only). Condition: Lung cancer. Review status: no classification provided. Collection method: in vitro. Allele origin: not applicable. Functional consequence: retained intron. Not counted in ClinVar's aggregate classification.

Dr. Peter K. Rogan Lab, Western University
No classification provided (evidence only). Condition: Lung cancer. Review status: no classification provided. Collection method: in vitro. Allele origin: not applicable. Functional consequence: retained intron. Not counted in ClinVar's aggregate classification.

Dr. Peter K. Rogan Lab, Western University
No classification provided (evidence only). Condition: Lung cancer. Review status: no classification provided. Collection method: in vitro. Allele origin: not applicable. Functional consequence: retained intron. Not counted in ClinVar's aggregate classification.

Dr. Peter K. Rogan Lab, Western University
No classification provided (evidence only). Condition: Lung cancer. Review status: no classification provided. Collection method: in vitro. Allele origin: not applicable. Functional consequence: retained intron. Not counted in ClinVar's aggregate classification.

Dr. Peter K. Rogan Lab, Western University
No classification provided (evidence only). Condition: Melanoma. Review status: no classification provided. Collection method: in vitro. Allele origin: not applicable. Functional consequence: retained intron. Not counted in ClinVar's aggregate classification.

Dr. Peter K. Rogan Lab, Western University
No classification provided (evidence only). Condition: Melanoma. Review status: no classification provided. Collection method: in vitro. Allele origin: not applicable. Functional consequence: retained intron. Not counted in ClinVar's aggregate classification.

Dr. Peter K. Rogan Lab, Western University
No classification provided (evidence only). Condition: Melanoma. Review status: no classification provided. Collection method: in vitro. Allele origin: not applicable. Functional consequence: retained intron. Not counted in ClinVar's aggregate classification.

Dr. Peter K. Rogan Lab, Western University
No classification provided (evidence only). Condition: Acute myeloid leukemia. Review status: no classification provided. Collection method: in vitro. Allele origin: not applicable. Functional consequence: retained intron. Not counted in ClinVar's aggregate classification.

Dr. Peter K. Rogan Lab, Western University
No classification provided (evidence only). Condition: Acute myeloid leukemia. Review status: no classification provided. Collection method: in vitro. Allele origin: not applicable. Functional consequence: retained intron. Not counted in ClinVar's aggregate classification.

Dr. Peter K. Rogan Lab, Western University
No classification provided (evidence only). Condition: Acute myeloid leukemia. Review status: no classification provided. Collection method: in vitro. Allele origin: not applicable. Functional consequence: skipped exon, retained intron. Not counted in ClinVar's aggregate classification.

Dr. Peter K. Rogan Lab, Western University
No classification provided (evidence only). Condition: Colon adenocarcinoma. Review status: no classification provided. Collection method: in vitro. Allele origin: not applicable. Functional consequence: retained intron. Not counted in ClinVar's aggregate classification.

Dr. Peter K. Rogan Lab, Western University
No classification provided (evidence only). Condition: Colon adenocarcinoma. Review status: no classification provided. Collection method: in vitro. Allele origin: not applicable. Functional consequence: retained intron. Not counted in ClinVar's aggregate classification.

Dr. Peter K. Rogan Lab, Western University
No classification provided (evidence only). Condition: Colon adenocarcinoma. Review status: no classification provided. Collection method: in vitro. Allele origin: not applicable. Functional consequence: skipped exon, retained intron. Not counted in ClinVar's aggregate classification.

Dr. Peter K. Rogan Lab, Western University
No classification provided (evidence only). Condition: Colorectal cancer. Review status: no classification provided. Collection method: in vitro. Allele origin: not applicable. Functional consequence: retained intron. Not counted in ClinVar's aggregate classification.

Dr. Peter K. Rogan Lab, Western University
No classification provided (evidence only). Condition: Colorectal cancer. Review status: no classification provided. Collection method: in vitro. Allele origin: not applicable. Functional consequence: retained intron. Not counted in ClinVar's aggregate classification.

Dr. Peter K. Rogan Lab, Western University
No classification provided (evidence only). Condition: Thyroid cancer, nonmedullary, 1. Review status: no classification provided. Collection method: in vitro. Allele origin: not applicable. Functional consequence: retained intron. Not counted in ClinVar's aggregate classification.

Dr. Peter K. Rogan Lab, Western University
No classification provided (evidence only). Condition: Thyroid cancer, nonmedullary, 1. Review status: no classification provided. Collection method: in vitro. Allele origin: not applicable. Functional consequence: retained intron. Not counted in ClinVar's aggregate classification.

Dr. Peter K. Rogan Lab, Western University
No classification provided (evidence only). Condition: Uterine corpus endometrial carcinoma. Review status: no classification provided. Collection method: in vitro. Allele origin: not applicable. Functional consequence: retained intron. Not counted in ClinVar's aggregate classification.

Dr. Peter K. Rogan Lab, Western University
No classification provided (evidence only). Condition: Uterine corpus endometrial carcinoma. Review status: no classification provided. Collection method: in vitro. Allele origin: not applicable. Functional consequence: retained intron. Not counted in ClinVar's aggregate classification.

Dr. Peter K. Rogan Lab, Western University
No classification provided (evidence only). Condition: Cervical cancer. Review status: no classification provided. Collection method: in vitro. Allele origin: not applicable. Functional consequence: retained intron. Not counted in ClinVar's aggregate classification.

Dr. Peter K. Rogan Lab, Western University
No classification provided (evidence only). Condition: Sarcoma. Review status: no classification provided. Collection method: in vitro. Allele origin: not applicable. Functional consequence: retained intron. Not counted in ClinVar's aggregate classification.

Dr. Peter K. Rogan Lab, Western University
No classification provided (evidence only). Condition: Sarcoma. Review status: no classification provided. Collection method: in vitro. Allele origin: not applicable. Functional consequence: retained intron. Not counted in ClinVar's aggregate classification.

Dr. Peter K. Rogan Lab, Western University
No classification provided (evidence only). Condition: Hepatocellular carcinoma. Review status: no classification provided. Collection method: in vitro. Allele origin: not applicable. Functional consequence: retained intron. Not counted in ClinVar's aggregate classification.

Dr. Peter K. Rogan Lab, Western University
No classification provided (evidence only). Condition: Hepatocellular carcinoma. Review status: no classification provided. Collection method: in vitro. Allele origin: not applicable. Functional consequence: retained intron. Not counted in ClinVar's aggregate classification.